The following is an entry in ClinVar:

NM_001128148.3(TFRC):c.571C>G (p.Gln191Glu)

Gene: TFRC (transferrin receptor; minus strand). Cytogenetic location: 3q29.
Variant type: single nucleotide variant.
Coding change: c.571C>G on transcript NM_001128148.3 (MANE Select); coding-DNA position 571, C replaced by G.
Protein change: p.Gln191Glu; replaces glutamine 191 with glutamic acid.
Molecular consequence: missense variant. On other transcripts: 5 prime UTR variant (1).
Genome position (GRCh38, 1-based): chr3:196,072,016, G>C on the plus strand (C>G on the coding strand, the complement: TFRC is on the minus strand). VCF-style: chr3-196072016-G-C. GRCh37 (hg19) VCF-style: chr3-195798887-G-C.
Other names: c.328C>G, p.Gln110Glu (NM_001313965.2); c.-276C>G (NM_001313966.2); c.571C>G, p.Gln191Glu (NM_003234.4); short protein forms Q191E, Q110E.
Identifiers: ClinVar variation 2883474 (VCV002883474.3), dbSNP rs891531948, ClinGen allele CA90758893.

ClinVar aggregate classification (germline): Uncertain significance (1 of 4 stars; one submission).

Allele frequency attached by ClinVar (database versions not stated): gnomAD exomes 0.00001.
gnomAD v4.1: 7 of 1,613,306 alleles (0.00043%); highest among the groups gnomAD compares: Non-Finnish European, 0.00059%; no homozygotes.

Submission:

Labcorp Genetics (formerly Invitae), Labcorp
Classification: Uncertain significance. Last evaluated: 2023-05-11. Review status: criteria provided, single submitter. Criteria: Invitae Variant Classification Sherloc (09022015). Collection method: clinical testing. Allele origin: germline.
Comment: This sequence change replaces glutamine, which is neutral and polar, with glutamic acid, which is acidic and polar, at codon 191 of the TFRC protein (p.Gln191Glu). This variant is not present in population databases (gnomAD no frequency). This variant has not been reported in the literature in individuals affected with TFRC-related conditions. Advanced modeling of protein sequence and biophysical properties (such as structural, functional, and spatial information, amino acid conservation, physicochemical variation, residue mobility, and thermodynamic stability) performed at Invitae indicates that this missense variant is expected to disrupt TFRC protein function. In summary, the available evidence is currently insufficient to determine the role of this variant in disease. Therefore, it has been classified as a Variant of Uncertain Significance.